The following is an entry in ClinVar:

ClinVar aggregate classification (germline): Pathogenic. Review status: criteria provided, multiple submitters, no conflicts (2 of 4 stars). 2 submissions from 2 submitters: Pathogenic (2). Last evaluated 2025-11-25.

Conditions:
Fanconi anemia complementation group A (FANCA). Also called: Fanconi anemia, group A; FANCA-Related Fanconi Anemia. Identifiers: Orphanet 84, MedGen C3469521, MONDO:0009215, OMIM 227650.
Fanconi anemia (FA). Also called: Fanconi's anemia. Identifiers: Orphanet 84, MedGen C0015625, MeSH D005199, MONDO:0019391.

gnomAD v4.1: 1 of 1,614,276 alleles (0.000062%); highest among the groups gnomAD compares: African/African-American, 0.0013%; no homozygotes.

Submissions (2):

Myriad Genetics, Inc.
Classification: Pathogenic for Fanconi anemia complementation group A. Last evaluated: 2025-11-25. Review status: criteria provided, single submitter. Criteria: Myriad Autosomal Dominant, Autosomal Recessive and X-Linked Classification Criteria (2023). Collection method: clinical testing. Allele origin: unknown.
Comment: NM_000135.2(FANCA):c.4213C>T(Q1405*) is a nonsense variant classified as pathogenic in the context of Fanconi anemia complementation group A. Q1405* has not been observed in cases with relevant disease. Relevant functional assessments of this variant are not available in the literature. Q1405* has not been observed in referenced population frequency databases. In summary, NM_000135.2(FANCA):c.4213C>T(Q1405*) is a nonsense variant in a gene where loss of function is a known mechanism of disease and is predicted to disrupt protein function. Please note: this variant was assessed in the context of healthy population screening.

Labcorp Genetics (formerly Invitae), Labcorp
Classification: Pathogenic for Fanconi anemia. Last evaluated: 2021-10-22. Review status: criteria provided, single submitter. Criteria: Invitae Variant Classification Sherloc (09022015). Collection method: clinical testing. Allele origin: germline.
Comment: This variant is not present in population databases (gnomAD no frequency). This sequence change creates a premature translational stop signal (p.Gln1405*) in the FANCA gene. It is expected to result in an absent or disrupted protein product. Loss-of-function variants in FANCA are known to be pathogenic (PMID: 19367192). For these reasons, this variant has been classified as Pathogenic. This variant has not been reported in the literature in individuals affected with FANCA-related conditions.

Literature cited by the submitters: PubMed 19367192 (cited by Labcorp Genetics (formerly Invitae), Labcorp).

NM_000135.4(FANCA):c.4213C>T (p.Gln1405Ter)

Genes: FANCA (FA complementation group A; minus strand), ZNF276 (zinc finger protein 276; plus strand). Cytogenetic location: 16q24.3.
Variant type: single nucleotide variant.
Coding change: c.4213C>T on transcript NM_000135.4 (MANE Select); coding-DNA position 4213, C replaced by T.
Protein change: p.Gln1405Ter; replaces glutamine 1405 with a stop codon.
Molecular consequence: nonsense. On other transcripts: missense variant (1), 3 prime UTR variant (2), non-coding transcript variant (4).
Genome position (GRCh38, 1-based): chr16:89,738,929, G>A on the plus strand (C>T on the coding strand, the complement: FANCA is on the minus strand). VCF-style: chr16-89738929-G-A. GRCh37 (hg19) VCF-style: chr16-89805337-G-A.
Other names: c.4217C>T, p.Ala1406Val (NM_001286167.3); c.*683G>A (NM_001113525.2, NM_152287.4); short protein forms Q1405*, A1406V.
Identifiers: ClinVar variation 1456243 (VCV001456243.7), dbSNP rs2151710810, ClinGen allele CA397483453.